The following is an entry in ClinVar:

ClinVar aggregate classification (germline): Pathogenic (1 of 4 stars; one submission).

Submission:

Ambry Genetics
Classification: Pathogenic. Last evaluated: 2026-05-28. Review status: criteria provided, single submitter. Criteria: Ambry Variant Classification Scheme 2023. Collection method: clinical testing. Allele origin: germline.
Comment: The p.S869* pathogenic mutation (also known as c.2606C>G), located in coding exon 1 of the MLH3 gene, results from a C to G substitution at nucleotide position 2606. This changes the amino acid from a serine to a stop codon within coding exon 1. This variant is considered to be rare based on population cohorts in the Genome Aggregation Database (gnomAD). This alteration is expected to result in loss of function by premature protein truncation or nonsense-mediated mRNA decay. As such, this alteration is interpreted as a disease-causing mutation.

NM_001040108.2(MLH3):c.2606C>G (p.Ser869Ter)

Gene: MLH3 (mutL homolog 3; minus strand). Cytogenetic location: 14q24.3.
Variant type: single nucleotide variant.
Coding change: c.2606C>G on transcript NM_001040108.2 (MANE Select); coding-DNA position 2606, C replaced by G.
Protein change: p.Ser869Ter; replaces serine 869 with a stop codon.
Molecular consequence: nonsense.
Genome position (GRCh38, 1-based): chr14:75,047,050, G>C on the plus strand (C>G on the coding strand, the complement: MLH3 is on the minus strand). VCF-style: chr14-75047050-G-C. GRCh37 (hg19) VCF-style: chr14-75513753-G-C.
Other names: c.2606C>G, p.Ser869Ter (NM_014381.3); short protein forms S869*.
Identifiers: ClinVar variation 3232495 (VCV003232495.2), dbSNP rs2139559399, ClinGen allele CA390439506.